The following is an entry in ClinVar:

NM_001001557.4(GDF6):c.724G>A (p.Ala242Thr)

Gene: GDF6 (growth differentiation factor 6; minus strand). Cytogenetic location: 8q22.1.
Variant type: single nucleotide variant.
Coding change: c.724G>A on transcript NM_001001557.4 (MANE Select); coding-DNA position 724, G replaced by A.
Protein change: p.Ala242Thr; replaces alanine 242 with threonine.
Molecular consequence: missense variant.
Genome position (GRCh38, 1-based): chr8:96,145,207, C>T on the plus strand (G>A on the coding strand, the complement: GDF6 is on the minus strand). VCF-style: chr8-96145207-C-T. GRCh37 (hg19) VCF-style: chr8-97157435-C-T.
Other names: short protein forms A242T.
Identifiers: ClinVar variation 2511107 (VCV002511107.4), dbSNP rs755044459, ClinGen allele CA4815422.
Genomic context (GRCh38, chr8:96,145,207, plus strand): 5'-TCCGCAGGTCCGGGGGCGGCGGTTGCTGGGGTCCCCGCGCGCGCGCCTCGGCCTCCCCGG[C>T]GTCCAGCTCGCCCCATGCGGCCCGCAGCTCCAAGCACAGCTGCTTCCAGGGCTGGTGGCG-3'
Protein context (NP_001001557.1, residues 232-252): ELRAAWGELD[Ala242Thr]GEAEARARGP

ClinVar aggregate classification (germline): Uncertain significance. Review status: criteria provided, multiple submitters, no conflicts (2 of 4 stars). 2 submissions from 2 submitters: Uncertain significance (2). Last evaluated 2025-09-20.

Conditions:
Inborn genetic diseases. Identifiers: MedGen C0950123, MeSH D030342.
Klippel-Feil syndrome 1, autosomal dominant (KFS1). Also called: CERVICAL VERTEBRAL FUSION, AUTOSOMAL DOMINANT. Identifiers: Orphanet 2345, MedGen C1861689, MONDO:0007306, OMIM 118100.
Microphthalmia, isolated, with coloboma 6 (MCOPCB6). Also called: MICROPHTHALMIA/COLOBOMA 6; Microphthalmia with coloboma 6, digenic; Microphthalmia with coloboma 6. Identifiers: Orphanet 98938, MedGen C3150968, MONDO:0013376, OMIM 613703.
Leber congenital amaurosis 17 (LCA17). Identifiers: Orphanet 65, MedGen C3715164, MONDO:0014145, OMIM 615360.
Isolated microphthalmia 4. Identifiers: Orphanet 2542, MedGen C2751307, MONDO:0013130, OMIM 613094.

Allele frequency attached by ClinVar (database versions not stated): ExAC 0.00030; TOPMed 0.00001; gnomAD 0.00001.
gnomAD v4.1: 28 of 1,501,994 alleles (0.0019%); highest among the groups gnomAD compares: South Asian, 0.027%; no homozygotes.

Submissions (2):

Labcorp Genetics (formerly Invitae), Labcorp
Classification: Uncertain significance for Isolated microphthalmia 4; Leber congenital amaurosis 17; Klippel-Feil syndrome 1, autosomal dominant; Microphthalmia, isolated, with coloboma 6. Last evaluated: 2025-09-20. Review status: criteria provided, single submitter. Criteria: Invitae Variant Classification Sherloc (09022015). Collection method: clinical testing. Allele origin: germline.
Comment: This sequence change replaces alanine, which is neutral and non-polar, with threonine, which is neutral and polar, at codon 242 of the GDF6 protein (p.Ala242Thr). The frequency data for this variant in the population databases is considered unreliable, as metrics indicate poor data quality at this position in the gnomAD database. This variant has not been reported in the literature in individuals affected with GDF6-related conditions. ClinVar contains an entry for this variant (Variation ID: 2511107). An algorithm developed to predict the effect of missense changes on protein structure and function (PolyPhen-2) suggests that this variant is likely to be tolerated. In summary, the available evidence is currently insufficient to determine the role of this variant in disease. Therefore, it has been classified as a Variant of Uncertain Significance.

Ambry Genetics
Classification: Uncertain significance for Inborn genetic diseases. Last evaluated: 2023-05-23. Review status: criteria provided, single submitter. Criteria: Ambry Variant Classification Scheme 2023. Collection method: clinical testing. Allele origin: germline.